The following is an entry in ClinVar:

NM_000219.6(KCNE1):c.135C>A (p.Leu45=)

Gene: KCNE1 (potassium voltage-gated channel subfamily E regulatory subunit 1; minus strand). Cytogenetic location: 21q22.12.
Variant type: single nucleotide variant.
Coding change: c.135C>A on transcript NM_000219.6 (MANE Select); coding-DNA position 135, C replaced by A.
Protein change: p.Leu45=; no amino-acid change (leucine 45 retained).
Molecular consequence: synonymous variant.
Genome position (GRCh38, 1-based): chr21:34,449,500, G>T on the plus strand (C>A on the coding strand, the complement: KCNE1 is on the minus strand). VCF-style: chr21-34449500-G-T. GRCh37 (hg19) VCF-style: chr21-35821798-G-T.
Other names: c.135C>A, p.Leu45= (NM_001127668.4, NM_001127669.4, NM_001127670.4 and 4 more transcripts).
Identifiers: ClinVar variation 3374140 (VCV003374140.2).

Conditions:
Long QT syndrome 5 (LQT5). Identifiers: Orphanet 101016, Orphanet 768, MedGen C1867904, MONDO:0013372, OMIM 613695.

Submission:

Roden Lab, Vanderbilt University Medical Center
No classification provided (evidence only). Condition: Long QT syndrome 5. Review status: no classification provided. Collection method: in vitro. Allele origin: not applicable. Functional consequence: Effect on ion channel function.
ClinVar note: "not provided" was previously submitted as the classification for the variant. However, the classification appeared to be based only on an observation of functional data so it was converted to no classification on 2025-07-30.